The following is an entry in ClinVar:

ClinVar aggregate classification (germline): Likely benign (0 of 4 stars; one submission).

Conditions:
SIN3B-related disorder. Also called: SIN3B-related condition.

Allele frequency attached by ClinVar (database versions not stated): ExAC 0.00003; gnomAD exomes 0.00004; gnomAD 0.00005; TOPMed 0.00008.
gnomAD v4.1: 61 of 1,613,416 alleles (0.0038%); highest among the groups gnomAD compares: East Asian, 0.045%; no homozygotes.

Submission:

PreventionGenetics, part of Exact Sciences
Classification: Likely benign for SIN3B-related condition. Last evaluated: 2019-07-01. Review status: no assertion criteria provided. Collection method: clinical testing. Allele origin: germline.
Comment: This variant is classified as likely benign based on ACMG/AMP sequence variant interpretation guidelines (Richards et al. 2015 PMID: 25741868, with internal and published modifications).

NM_001297595.2(SIN3B):c.2031C>T (p.Ser677=)

Gene: SIN3B (SIN3 transcription regulator family member B; plus strand). Cytogenetic location: 19p13.11.
Variant type: single nucleotide variant.
Coding change: c.2031C>T on transcript NM_001297595.2 (MANE Select); coding-DNA position 2031, C replaced by T.
Protein change: p.Ser677=; no amino-acid change (serine 677 retained).
Molecular consequence: synonymous variant.
Genome position (GRCh38, 1-based): chr19:16,869,684, C>T. VCF-style: chr19-16869684-C-T. GRCh37 (hg19) VCF-style: chr19-16980495-C-T.
Other names: c.801C>T, p.Ser267= (NM_001297597.2); c.2127C>T, p.Ser709= (NM_015260.4).
Identifiers: ClinVar variation 3042916 (VCV003042916.2), dbSNP rs763134125, ClinGen allele CA9283359.
Genomic context (GRCh38, chr19:16,869,684, plus strand): 5'-GCTGCTGCACCAGTTCGTGCCCAGCCTCTTCTTCTCTCAGCAGCTGGACCTGGGCGCCTC[C>T]GAGGAGTCAGCTGATGAGGACCGGGACAGCCCCCAGGGGCAGACCACAGACCCCAGTGAG-3'
Protein context (NP_001284524.1, residues 667-687): FFSQQLDLGA[Ser677=]EESADEDRDS